The following is an entry in ClinVar:

ClinVar aggregate classification (germline): Likely benign (1 of 4 stars; one submission).

gnomAD v4.1: 322 of 1,609,874 alleles (0.02%); highest among the groups gnomAD compares: Middle Eastern, 0.29%; 3 homozygotes.

Submission:

CeGaT Center for Human Genetics Tuebingen
Classification: Likely benign. Last evaluated: 2026-02-01. Review status: criteria provided, single submitter. Criteria: CeGaT Center For Human Genetics Tuebingen Variant Classification Criteria Version 2. Collection method: clinical testing. Allele origin: germline. Affected: yes. Observed: 1 variant allele.
Comment: DENND5B: BP4, BS2

NM_144973.4(DENND5B):c.3642-8G>A

Gene: DENND5B (DENN domain containing 5B; minus strand). Cytogenetic location: 12p11.21.
Variant type: single nucleotide variant.
Coding change: c.3642-8G>A on transcript NM_144973.4 (MANE Select); 8 bases into the intron before coding-DNA position 3642, G replaced by A.
Molecular consequence: intron variant.
Genome position (GRCh38, 1-based): chr12:31,387,794, C>T on the plus strand (G>A on the coding strand, the complement: DENND5B is on the minus strand). VCF-style: chr12-31387794-C-T. GRCh37 (hg19) VCF-style: chr12-31540728-C-T.
Other names: c.3747-8G>A (NM_001308339.2).
Identifiers: ClinVar variation 4821367 (VCV004821367.4).
Genomic context (GRCh38, chr12:31,387,794, plus strand): 5'-TGATGGCAGGACACTCAGCTAACAATGGAATCCACTGTGGGAGCAGGCGATCCCTACAGA[C>T]CCAAACAGAAACAATTCCTGAGCATTGCTGGCCTCGCTGCAGAACAAGGCACACAGTGGA-3'